The following is an entry in ClinVar:

NM_025081.3(NYNRIN):c.3314G>A (p.Arg1105Lys)

Gene: NYNRIN (NYN domain and retroviral integrase containing; plus strand). Cytogenetic location: 14q12.
Variant type: single nucleotide variant.
Coding change: c.3314G>A on transcript NM_025081.3 (MANE Select); coding-DNA position 3314, G replaced by A.
Protein change: p.Arg1105Lys; replaces arginine 1105 with lysine.
Molecular consequence: missense variant.
Genome position (GRCh38, 1-based): chr14:24,415,063, G>A. VCF-style: chr14-24415063-G-A. GRCh37 (hg19) VCF-style: chr14-24884269-G-A.
Other names: short protein forms R1105K.
Identifiers: ClinVar variation 3409143 (VCV003409143.2).

ClinVar aggregate classification (germline): Uncertain significance. Review status: criteria provided, multiple submitters, no conflicts (2 of 4 stars). 2 submissions from 2 submitters: Uncertain significance (2). Last evaluated 2026-10-01.

Conditions:
Predisposition to Wilms tumor.

gnomAD v4.1: 17 of 1,612,678 alleles (0.0011%); highest among the groups gnomAD compares: Admixed American, 0.0033%; no homozygotes.

Submissions (2):

St. Jude Molecular Pathology, St. Jude Children's Research Hospital
Classification: Uncertain significance for Predisposition to Wilms tumor. Last evaluated: 2026-10-01. Review status: criteria provided, single submitter. Criteria: St. Jude Assertion Criteria 2020. Collection method: clinical testing. Allele origin: germline.
Comment: The NYNRIN c.3314G>A p.(Arg1105 Lys) missense change is absent in gnomAD v2.1.1. The in silico tool REVEL predicts a benign effect on protein function, but to our knowledge this prediction has not been confirmed by functional studies. To our knowledg e, this variant has not been reported in the literature in individuals with Wilms tumor. In summary, the evidence currently available is insufficient to determine the clinical significance of this variant. It has therefore been classified as of uncertain significance (VUS-Low).

Ambry Genetics
Classification: Uncertain significance. Last evaluated: 2024-10-01. Review status: criteria provided, single submitter. Criteria: Ambry Variant Classification Scheme 2023. Collection method: clinical testing. Allele origin: germline.